The following is an entry in ClinVar:

NM_001369.3(DNAH5):c.8489T>C (p.Ile2830Thr)

Gene: DNAH5 (dynein axonemal heavy chain 5; minus strand). Cytogenetic location: 5p15.2.
Variant type: single nucleotide variant.
Coding change: c.8489T>C on transcript NM_001369.3 (MANE Select); coding-DNA position 8489, T replaced by C.
Protein change: p.Ile2830Thr; replaces isoleucine 2830 with threonine.
Molecular consequence: missense variant.
Genome position (GRCh38, 1-based): chr5:13,788,874, A>G on the plus strand (T>C on the coding strand, the complement: DNAH5 is on the minus strand). VCF-style: chr5-13788874-A-G. GRCh37 (hg19) VCF-style: chr5-13788983-A-G.
Other names: short protein forms I2830T.
Identifiers: ClinVar variation 4066656 (VCV004066656.2).
Genomic context (GRCh38, chr5:13,788,874, plus strand): 5'-AAACTTACTAAAGCCTTATCAAACCAGGTCACATCACTGGACACTGTGAAACGGTCAGCT[A>G]TAACACGTTTACACTCATGCTTCCACAGCTTTAACAGATCCTGTTGAAAGTATAATTAAA-3'
Protein context (NP_001360.1, residues 2820-2840): KLWKHECKRV[Ile2830Thr]ADRFTVSSDV

ClinVar aggregate classification (germline): Uncertain significance. Review status: criteria provided, single submitter (1 of 4 stars). 2 submissions from 2 submitters: Uncertain significance (1). 1 of the submissions does not count toward it. Last evaluated 2025-07-20.

Conditions:
Primary ciliary dyskinesia. Also called: Ciliary dyskinesia. Identifiers: Orphanet 244, MedGen C0008780, MONDO:0016575, HP:0012265.

Submissions (2):

Labcorp Genetics (formerly Invitae), Labcorp
Classification: Uncertain significance for Primary ciliary dyskinesia. Last evaluated: 2025-07-20. Review status: criteria provided, single submitter. Criteria: Invitae Variant Classification Sherloc (09022015). Collection method: clinical testing. Allele origin: germline.
Comment: This sequence change replaces isoleucine, which is neutral and non-polar, with threonine, which is neutral and polar, at codon 2830 of the DNAH5 protein (p.Ile2830Thr). This variant is present in population databases (rs559585068, gnomAD 0.003%). This variant has not been reported in the literature in individuals affected with DNAH5-related conditions. Invitae Evidence Modeling of protein sequence and biophysical properties (such as structural, functional, and spatial information, amino acid conservation, physicochemical variation, residue mobility, and thermodynamic stability) indicates that this missense variant is not expected to disrupt DNAH5 protein function with a negative predictive value of 95%. In summary, the available evidence is currently insufficient to determine the role of this variant in disease. Therefore, it has been classified as a Variant of Uncertain Significance.

Natera, Inc.
Classification: Uncertain significance for Primary ciliary dyskinesia. Last evaluated: 2025-04-15. Review status: no assertion criteria provided. Collection method: clinical testing. Allele origin: germline. Not counted in ClinVar's aggregate classification.